The following is an entry in ClinVar:

NM_001080449.3(DNA2):c.2586C>G (p.His862Gln)

Gene: DNA2 (DNA replication helicase/nuclease 2; minus strand). Cytogenetic location: 10q21.3.
Variant type: single nucleotide variant.
Coding change: c.2586C>G on transcript NM_001080449.3 (MANE Select); coding-DNA position 2586, C replaced by G.
Protein change: p.His862Gln; replaces histidine 862 with glutamine.
Molecular consequence: missense variant. On other transcripts: non-coding transcript variant (1).
Genome position (GRCh38, 1-based): chr10:68,422,336, G>C on the plus strand (C>G on the coding strand, the complement: DNA2 is on the minus strand). VCF-style: chr10-68422336-G-C. GRCh37 (hg19) VCF-style: chr10-70182093-G-C.
Other names: short protein forms H862Q.
Identifiers: ClinVar variation 3007854 (VCV003007854.3), dbSNP rs1010243518, ClinGen allele CA208194137.

ClinVar aggregate classification (germline): Uncertain significance (1 of 4 stars; one submission).

Allele frequency attached by ClinVar (database versions not stated): gnomAD 0.00001; TOPMed 0.00002.
gnomAD v4.1: 2 of 1,613,736 alleles (0.00012%); highest among the groups gnomAD compares: African/African-American, 0.0013%; no homozygotes.

Submission:

Labcorp Genetics (formerly Invitae), Labcorp
Classification: Uncertain significance. Last evaluated: 2023-08-15. Review status: criteria provided, single submitter. Criteria: Invitae Variant Classification Sherloc (09022015). Collection method: clinical testing. Allele origin: germline.
Comment: This sequence change replaces histidine, which is basic and polar, with glutamine, which is neutral and polar, at codon 862 of the DNA2 protein (p.His862Gln). This variant is not present in population databases (gnomAD no frequency). This variant has not been reported in the literature in individuals affected with DNA2-related conditions. Advanced modeling of protein sequence and biophysical properties (such as structural, functional, and spatial information, amino acid conservation, physicochemical variation, residue mobility, and thermodynamic stability) performed at Invitae indicates that this missense variant is not expected to disrupt DNA2 protein function. In summary, the available evidence is currently insufficient to determine the role of this variant in disease. Therefore, it has been classified as a Variant of Uncertain Significance.